The following is an entry in ClinVar:

ClinVar aggregate classification (germline): Uncertain significance. Review status: criteria provided, multiple submitters, no conflicts (2 of 4 stars). 2 submissions from 2 submitters: Uncertain significance (2). Last evaluated 2026-03-27.

Conditions:
POMC-related disorder. Also called: POMC-related condition; POMC-related disorders.
Inborn genetic diseases. Identifiers: MedGen C0950123, MeSH D030342.

gnomAD v4.1: 9 of 1,593,668 alleles (0.00056%); highest among the groups gnomAD compares: Admixed American, 0.016%; no homozygotes.

Submissions (2):

PreventionGenetics, part of Exact Sciences
Classification: Uncertain significance for POMC-related condition. Last evaluated: 2026-03-27. Review status: criteria provided, single submitter. Criteria: ACMG Guidelines, 2015. Collection method: clinical testing. Allele origin: germline.
Comment: The POMC c.163T>C variant is predicted to result in the amino acid substitution p.Ser55Pro. This variant was observed in a cohort of individuals with obesity, and in vitro functional studies showed this variant did not reduce protein function and could cause increased function (Supplemental Data Set 3, Shah et al. 2023. PubMed ID: 36864747). This variant is reported in 0.013% of alleles in individuals of Latino descent in gnomAD. At this time, the clinical significance of this variant is uncertain due to the absence of conclusive functional and genetic evidence.

Ambry Genetics
Classification: Uncertain significance for Inborn genetic diseases. Last evaluated: 2025-02-14. Review status: criteria provided, single submitter. Criteria: Ambry Variant Classification Scheme 2023. Collection method: clinical testing. Allele origin: germline.

NM_000939.4(POMC):c.163T>C (p.Ser55Pro)

Genes: POMC (proopiomelanocortin; minus strand), LOC129933280 (ATAC-STARR-seq lymphoblastoid silent region 11244; plus strand). Cytogenetic location: 2p23.3.
Variant type: single nucleotide variant.
Coding change: c.163T>C on transcript NM_000939.4 (MANE Select); coding-DNA position 163, T replaced by C.
Protein change: p.Ser55Pro; replaces serine 55 with proline.
Molecular consequence: missense variant.
Genome position (GRCh38, 1-based): chr2:25,161,722, A>G on the plus strand (T>C on the coding strand, the complement: POMC is on the minus strand). VCF-style: chr2-25161722-A-G. GRCh37 (hg19) VCF-style: chr2-25384591-A-G.
Other names: c.163T>C, p.Ser55Pro (NM_001035256.3, NM_001319204.2, NM_001319205.2); c.163T>C (NM_000939.3); short protein forms S55P.
Identifiers: ClinVar variation 3781904 (VCV003781904.2).